The following is an entry in ClinVar:

NM_172364.5(CACNA2D4):c.776A>G (p.Tyr259Cys)

Gene: CACNA2D4 (calcium voltage-gated channel auxiliary subunit alpha2delta 4; minus strand). Cytogenetic location: 12p13.33.
Variant type: single nucleotide variant.
Coding change: c.776A>G on transcript NM_172364.5 (MANE Select); coding-DNA position 776, A replaced by G.
Protein change: p.Tyr259Cys; replaces tyrosine 259 with cysteine.
Molecular consequence: missense variant.
Genome position (GRCh38, 1-based): chr12:1,907,445, T>C on the plus strand (A>G on the coding strand, the complement: CACNA2D4 is on the minus strand). VCF-style: chr12-1907445-T-C. GRCh37 (hg19) VCF-style: chr12-2016611-T-C.
Other names: short protein forms Y259C.
Identifiers: ClinVar variation 1511302 (VCV001511302.7), dbSNP rs1469786825, ClinGen allele CA383363736.

ClinVar aggregate classification (germline): Uncertain significance. Review status: criteria provided, multiple submitters, no conflicts (2 of 4 stars). 2 submissions from 2 submitters: Uncertain significance (2). Last evaluated 2022-01-06.

Allele frequency attached by ClinVar (database versions not stated): gnomAD 0.00001.
gnomAD v4.1: 3 of 1,613,748 alleles (0.00019%); highest among the groups gnomAD compares: South Asian, 0.0033%; no homozygotes.

Submissions (2):

Blueprint Genetics
Classification: Uncertain significance. Last evaluated: 2022-01-06. Review status: criteria provided, single submitter. Criteria: ACMG Guidelines, 2015. Collection method: clinical testing. Allele origin: germline.

Labcorp Genetics (formerly Invitae), Labcorp
Classification: Uncertain significance. Last evaluated: 2021-08-15. Review status: criteria provided, single submitter. Criteria: Invitae Variant Classification Sherloc (09022015). Collection method: clinical testing. Allele origin: germline.
Comment: In summary, the available evidence is currently insufficient to determine the role of this variant in disease. Therefore, it has been classified as a Variant of Uncertain Significance. Algorithms developed to predict the effect of missense changes on protein structure and function (SIFT, PolyPhen-2, Align-GVGD) all suggest that this variant is likely to be disruptive. This variant has not been reported in the literature in individuals affected with CACNA2D4-related conditions. This variant is not present in population databases (ExAC no frequency). This sequence change replaces tyrosine with cysteine at codon 259 of the CACNA2D4 protein (p.Tyr259Cys). The tyrosine residue is highly conserved and there is a large physicochemical difference between tyrosine and cysteine.